The following is an entry in ClinVar:

NM_020832.3(ZNF687):c.2706G>T (p.Lys902Asn)

Gene: ZNF687 (zinc finger protein 687; plus strand). Cytogenetic location: 1q21.3.
Variant type: single nucleotide variant.
Coding change: c.2706G>T on transcript NM_020832.3 (MANE Select); coding-DNA position 2706, G replaced by T.
Protein change: p.Lys902Asn; replaces lysine 902 with asparagine.
Molecular consequence: missense variant.
Genome position (GRCh38, 1-based): chr1:151,289,749, G>T. VCF-style: chr1-151289749-G-T. GRCh37 (hg19) VCF-style: chr1-151262225-G-T.
Other names: c.2706G>T, p.Lys902Asn (NM_001304763.2, NM_001304764.2); short protein forms K902N.
Identifiers: ClinVar variation 2871780 (VCV002871780.3), dbSNP rs1353906696, ClinGen allele CA341953701.

ClinVar aggregate classification (germline): Uncertain significance (1 of 4 stars; one submission).

Allele frequency attached by ClinVar (database versions not stated): gnomAD exomes 0.00001.
gnomAD v4.1: 3 of 1,559,644 alleles (0.00019%); highest among the groups gnomAD compares: Admixed American, 0.0058%; 1 homozygote.

Submission:

Labcorp Genetics (formerly Invitae), Labcorp
Classification: Uncertain significance. Last evaluated: 2025-03-03. Review status: criteria provided, single submitter. Criteria: Invitae Variant Classification Sherloc (09022015). Collection method: clinical testing. Allele origin: germline.
Comment: This sequence change replaces lysine, which is basic and polar, with asparagine, which is neutral and polar, at codon 902 of the ZNF687 protein (p.Lys902Asn). The frequency data for this variant in the population databases is considered unreliable, as metrics indicate poor data quality at this position in the gnomAD database. This variant has not been reported in the literature in individuals affected with ZNF687-related conditions. ClinVar contains an entry for this variant (Variation ID: 2871780). An algorithm developed to predict the effect of missense changes on protein structure and function (PolyPhen-2) suggests that this variant is likely to be disruptive. In summary, the available evidence is currently insufficient to determine the role of this variant in disease. Therefore, it has been classified as a Variant of Uncertain Significance.